The following is an entry in ClinVar:

ClinVar aggregate classification (germline): Uncertain significance. Review status: criteria provided, multiple submitters, no conflicts (2 of 4 stars). 4 submissions from 4 submitters: Uncertain significance (4). Last evaluated 2026-03-18.

Conditions:
Inborn genetic diseases. Identifiers: MedGen C0950123, MeSH D030342.
Occipital pachygyria and polymicrogyria. Identifiers: Orphanet 280640, MedGen C3279875, MONDO:0013583, OMIM 614115.

Allele frequency attached by ClinVar (database versions not stated): gnomAD exomes 0.00006 and 0.00007; TOPMed 0.00004; ExAC 0.00007; gnomAD 0.00001 and 0.00002.
gnomAD v4.1: 100 of 1,613,310 alleles (0.0062%); highest among the groups gnomAD compares: Non-Finnish European, 0.0076%; no homozygotes.

Submissions (4):

Ambry Genetics
Classification: Uncertain significance for Inborn genetic diseases. Last evaluated: 2026-03-18. Review status: criteria provided, single submitter. Criteria: Ambry Variant Classification Scheme 2023. Collection method: clinical testing. Allele origin: germline.

Labcorp Genetics (formerly Invitae), Labcorp
Classification: Uncertain significance. Last evaluated: 2022-07-27. Review status: criteria provided, single submitter. Criteria: Invitae Variant Classification Sherloc (09022015). Collection method: clinical testing. Allele origin: germline.
Comment: This sequence change replaces arginine, which is basic and polar, with histidine, which is basic and polar, at codon 636 of the LAMC3 protein (p.Arg636His). This variant is present in population databases (rs753991024, gnomAD 0.01%). This variant has not been reported in the literature in individuals affected with LAMC3-related conditions. ClinVar contains an entry for this variant (Variation ID: 211360). Algorithms developed to predict the effect of missense changes on protein structure and function output the following: SIFT: "Deleterious"; PolyPhen-2: "Benign"; Align-GVGD: "Class C0". The histidine amino acid residue is found in multiple mammalian species, which suggests that this missense change does not adversely affect protein function. In summary, the available evidence is currently insufficient to determine the role of this variant in disease. Therefore, it has been classified as a Variant of Uncertain Significance.

Fulgent Genetics
Classification: Uncertain significance for Occipital pachygyria and polymicrogyria. Last evaluated: 2018-10-31. Review status: criteria provided, single submitter. Criteria: ACMG Guidelines, 2015. Collection method: clinical testing. Allele origin: unknown.

Genetic Services Laboratory, University of Chicago
Classification: Uncertain significance. Last evaluated: 2015-07-22. Review status: criteria provided, single submitter. Criteria: ACMG Guidelines, 2015. Collection method: clinical testing. Allele origin: germline.

NM_006059.4(LAMC3):c.1907G>A (p.Arg636His)

Gene: LAMC3 (laminin subunit gamma 3; plus strand). Cytogenetic location: 9q34.12.
Variant type: single nucleotide variant.
Coding change: c.1907G>A on transcript NM_006059.4 (MANE Select); coding-DNA position 1907, G replaced by A.
Protein change: p.Arg636His; replaces arginine 636 with histidine.
Molecular consequence: missense variant.
Genome position (GRCh38, 1-based): chr9:131,052,933, G>A. VCF-style: chr9-131052933-G-A. GRCh37 (hg19) VCF-style: chr9-133928320-G-A.
Other names: short protein forms R636H.
Identifiers: ClinVar variation 211360 (VCV000211360.12), dbSNP rs753991024, ClinGen allele CA207802.